The following is an entry in ClinVar:

ClinVar aggregate classification (germline): Uncertain significance. Review status: criteria provided, multiple submitters, no conflicts (2 of 4 stars). 3 submissions from 3 submitters: Uncertain significance (3). Last evaluated 2025-06-04.

Conditions:
Inborn genetic diseases. Identifiers: MedGen C0950123, MeSH D030342.

Allele frequency attached by ClinVar (database versions not stated): ExAC 0.00002; gnomAD 0.00003; gnomAD exomes 0.00003; TOPMed 0.00009.
gnomAD v4.1: 56 of 1,613,814 alleles (0.0035%); highest among the groups gnomAD compares: Middle Eastern, 0.033%; no homozygotes.

Submissions (3):

Labcorp Genetics (formerly Invitae), Labcorp
Classification: Uncertain significance. Last evaluated: 2025-06-04. Review status: criteria provided, single submitter. Criteria: Invitae Variant Classification Sherloc (09022015). Collection method: clinical testing. Allele origin: germline.
Comment: This sequence change replaces isoleucine, which is neutral and non-polar, with valine, which is neutral and non-polar, at codon 84 of the CIT protein (p.Ile84Val). This variant is present in population databases (rs773840051, gnomAD 0.004%). This missense change has been observed in individual(s) with clinical features of CIT-related conditions (PMID: 38158391). ClinVar contains an entry for this variant (Variation ID: 1803655). An algorithm developed to predict the effect of missense changes on protein structure and function outputs the following: PolyPhen-2: "Benign". The valine amino acid residue is found in multiple mammalian species, which suggests that this missense change does not adversely affect protein function. In summary, the available evidence is currently insufficient to determine the role of this variant in disease. Therefore, it has been classified as a Variant of Uncertain Significance.

GeneDx
Classification: Uncertain significance. Last evaluated: 2022-11-28. Review status: criteria provided, single submitter. Criteria: GeneDx Variant Classification Process June 2021. Collection method: clinical testing. Allele origin: germline. Affected: yes.
Comment: Not observed at significant frequency in large population cohorts (gnomAD); In silico analysis supports that this missense variant does not alter protein structure/function; Has not been previously published as pathogenic or benign to our knowledge

Ambry Genetics
Classification: Uncertain significance for Inborn genetic diseases. Last evaluated: 2021-08-12. Review status: criteria provided, single submitter. Criteria: Ambry Variant Classification Scheme 2023. Collection method: clinical testing. Allele origin: germline.

Literature cited by the submitters: PubMed 38158391 (cited by Labcorp Genetics (formerly Invitae), Labcorp).

NM_001206999.2(CIT):c.250A>G (p.Ile84Val)

Gene: CIT (citron rho-interacting serine/threonine kinase; minus strand). Cytogenetic location: 12q24.23.
Variant type: single nucleotide variant.
Coding change: c.250A>G on transcript NM_001206999.2 (MANE Select); coding-DNA position 250, A replaced by G.
Protein change: p.Ile84Val; replaces isoleucine 84 with valine.
Molecular consequence: missense variant.
Genome position (GRCh38, 1-based): chr12:119,857,687, T>C on the plus strand (A>G on the coding strand, the complement: CIT is on the minus strand). VCF-style: chr12-119857687-T-C. GRCh37 (hg19) VCF-style: chr12-120295491-T-C.
Other names: c.250A>G, p.Ile84Val (NM_007174.3); short protein forms I84V.
Identifiers: ClinVar variation 1803655 (VCV001803655.7), dbSNP rs773840051, ClinGen allele CA6822465.